The following is an entry in ClinVar:

ClinVar aggregate classification (germline): Likely benign. Review status: criteria provided, multiple submitters, no conflicts (2 of 4 stars). 2 submissions from 2 submitters: Likely benign (2). Last evaluated 2026-02-01.

Conditions:
RYR1-related disorder. Also called: RYR1-related disorders; RYR1-related condition. Identifiers: MedGen CN239331.

Allele frequency attached by ClinVar (database versions not stated): TOPMed below 0.00001.
gnomAD v4.1: 2 of 1,613,176 alleles (0.00012%); highest among the groups gnomAD compares: Admixed American, 0.0017%; no homozygotes.

Submissions (2):

CeGaT Center for Human Genetics Tuebingen
Classification: Likely benign. Last evaluated: 2026-02-01. Review status: criteria provided, single submitter. Criteria: CeGaT Center For Human Genetics Tuebingen Variant Classification Criteria Version 2. Collection method: clinical testing. Allele origin: germline. Affected: yes. Observed: 1 variant allele.
Comment: RYR1: BP4, BP7

Labcorp Genetics (formerly Invitae), Labcorp
Classification: Likely benign for RYR1-related disorder. Last evaluated: 2022-06-17. Review status: criteria provided, single submitter. Criteria: Invitae Variant Classification Sherloc (09022015). Collection method: clinical testing. Allele origin: germline.

NM_000540.3(RYR1):c.5109A>T (p.Pro1703=)

Gene: RYR1 (ryanodine receptor 1; plus strand). Cytogenetic location: 19q13.2.
Variant type: single nucleotide variant.
Coding change: c.5109A>T on transcript NM_000540.3 (MANE Select); coding-DNA position 5109, A replaced by T.
Protein change: p.Pro1703=; no amino-acid change (proline 1703 retained).
Molecular consequence: synonymous variant.
Genome position (GRCh38, 1-based): chr19:38,485,764, A>T. VCF-style: chr19-38485764-A-T. GRCh37 (hg19) VCF-style: chr19-38976404-A-T.
Other names: c.5109A>T, p.Pro1703= (NM_001042723.2).
Identifiers: ClinVar variation 2193455 (VCV002193455.8), dbSNP rs200556164, ClinGen allele CA507238685.